The following is an entry in ClinVar:

NM_152783.5(D2HGDH):c.1531del (p.Leu511fs)

Gene: D2HGDH (D-2-hydroxyglutarate dehydrogenase; plus strand). Cytogenetic location: 2q37.3.
Variant type: Deletion.
Coding change: c.1531del on transcript NM_152783.5 (MANE Select); coding-DNA position 1531, one base deleted (C; older notation c.1531delC).
Protein change: p.Leu511fs; shifts the reading frame from leucine 511.
Molecular consequence: frameshift variant. On other transcripts: non-coding transcript variant (1).
Genome position (GRCh38, 1-based): chr2:241,767,934, C deleted; the last of 2 consecutive C bases (chr2:241,767,933-241,767,934); deleting either gives the same sequence. VCF-style (leftmost placement, unchanged base first): chr2-241767932-TC-T. GRCh37 (hg19) VCF-style: chr2-242707347-TC-T.
Other names: c.1129del, p.Leu377fs (NM_001287249.2); c.970del, p.Leu324fs (NM_001352824.2); short protein forms L324fs, L511fs, L377fs.
Identifiers: ClinVar variation 1919229 (VCV001919229.5), dbSNP rs1699289024, ClinGen allele CA1044158675.
Genomic context (GRCh38, chr2:241,767,932, plus strand): 5'-AGCCACCGGGGGCCCTGCAGCTCATGCAGCAGCTCAAGGCCCTGCTGGACCCCAAGGGCA[TC>T]CTCAACCCCTACAAGACGCTGCCCAGCCAGGCCTGACGGCCACTCCTGCTGCTGCCAAGG-3'

ClinVar aggregate classification (germline): Uncertain significance (1 of 4 stars; one submission).

Conditions:
D-2-hydroxyglutaric aciduria 1 (D2HGA1). Identifiers: Orphanet 79315, MedGen C3152055, MONDO:0024554, OMIM 600721.

Submission:

Labcorp Genetics (formerly Invitae), Labcorp
Classification: Uncertain significance for D-2-hydroxyglutaric aciduria 1. Last evaluated: 2023-11-27. Review status: criteria provided, single submitter. Criteria: Invitae Variant Classification Sherloc (09022015). Collection method: clinical testing. Allele origin: germline.
Comment: This sequence change results in a frameshift in the D2HGDH gene (p.Leu511Serfs*169). While this is not anticipated to result in nonsense mediated decay, it is expected to disrupt the last 11 amino acid(s) of the D2HGDH protein and extend the protein by 157 additional amino acid residues. This variant is not present in population databases (gnomAD no frequency). This variant has not been reported in the literature in individuals affected with D2HGDH-related conditions. ClinVar contains an entry for this variant (Variation ID: 1919229). Experimental studies and prediction algorithms are not available or were not evaluated, and the functional significance of this variant is currently unknown. In summary, the available evidence is currently insufficient to determine the role of this variant in disease. Therefore, it has been classified as a Variant of Uncertain Significance.